The following is an entry in ClinVar:

NM_182643.3(DLC1):c.1996A>T (p.Ser666Cys)

Gene: DLC1 (DLC1 Rho GTPase activating protein; minus strand). Cytogenetic location: 8p22.
Variant type: single nucleotide variant.
Coding change: c.1996A>T on transcript NM_182643.3 (MANE Select); coding-DNA position 1996, A replaced by T.
Protein change: p.Ser666Cys; replaces serine 666 with cysteine.
Molecular consequence: missense variant.
Genome position (GRCh38, 1-based): chr8:13,100,341, T>A on the plus strand (A>T on the coding strand, the complement: DLC1 is on the minus strand). VCF-style: chr8-13100341-T-A. GRCh37 (hg19) VCF-style: chr8-12957850-T-A.
Other names: c.463A>T, p.Ser155Cys (NM_001164271.2, NM_001348082.2, NM_001348083.1 and 6 more transcripts); c.787A>T, p.Ser263Cys (NM_001316668.2, NM_001413129.1); c.1996A>T, p.Ser666Cys (NM_001348081.2, NM_001413124.1); c.778A>T, p.Ser260Cys (NM_001413130.1); c.436A>T, p.Ser146Cys (NM_001413131.1, NM_001413137.1); c.922A>T, p.Ser308Cys (NM_001413132.1); c.685A>T, p.Ser229Cys (NM_001413135.1, NM_001413136.1, NM_001413139.1 and 1 more transcripts); c.820A>T, p.Ser274Cys (NM_001413140.1); short protein forms S260C, S274C, S146C, S155C, S229C, S666C, S263C, S308C.
Identifiers: ClinVar variation 2196487 (VCV002196487.5), dbSNP rs139778805, ClinGen allele CA4638746.

ClinVar aggregate classification (germline): Uncertain significance. Review status: criteria provided, multiple submitters, no conflicts (2 of 4 stars). 2 submissions from 2 submitters: Uncertain significance (2). Last evaluated 2025-06-12.

Conditions:
Colorectal cancer. Also called: Colorectal cancer, somatic; Malignant Colorectal Neoplasm. Identifiers: MedGen C0346629, MONDO:0005575, OMIM 114500.

Allele frequency attached by ClinVar (database versions not stated): ExAC 0.00012; ESP Exome Variant Server 0.00031; 1000 Genomes Project 0.00040; 1000 Genomes Project 30x 0.00062.
gnomAD v4.1: 170 of 1,614,242 alleles (0.011%); highest among the groups gnomAD compares: African/African-American, 0.12%; no homozygotes.

Submissions (2):

Labcorp Genetics (formerly Invitae), Labcorp
Classification: Uncertain significance. Last evaluated: 2025-06-12. Review status: criteria provided, single submitter. Criteria: Invitae Variant Classification Sherloc (09022015). Collection method: clinical testing. Allele origin: germline.
Comment: This sequence change replaces serine, which is neutral and polar, with cysteine, which is neutral and slightly polar, at codon 666 of the DLC1 protein (p.Ser666Cys). This variant is present in population databases (rs139778805, gnomAD 0.1%), and has an allele count higher than expected for a pathogenic variant. This variant has not been reported in the literature in individuals affected with DLC1-related conditions. ClinVar contains an entry for this variant (Variation ID: 2196487). An algorithm developed to predict the effect of missense changes on protein structure and function (PolyPhen-2) suggests that this variant is likely to be disruptive. In summary, the available evidence is currently insufficient to determine the role of this variant in disease. Therefore, it has been classified as a Variant of Uncertain Significance.

Fulgent Genetics
Classification: Uncertain significance for Colorectal cancer. Last evaluated: 2024-05-10. Review status: criteria provided, single submitter. Criteria: ACMG Guidelines, 2015. Collection method: clinical testing. Allele origin: germline.